The following is an entry in ClinVar:

ClinVar aggregate classification (germline): Likely pathogenic (1 of 4 stars; one submission).

Submission:

CeGaT Center for Human Genetics Tuebingen
Classification: Likely pathogenic. Last evaluated: 2023-12-01. Review status: criteria provided, single submitter. Criteria: CeGaT Center For Human Genetics Tuebingen Variant Classification Criteria Version 2. Collection method: clinical testing. Allele origin: germline. Affected: yes. Observed: 1 variant allele.
Comment: NPC1: PVS1:Strong, PM2

NM_000271.5(NPC1):c.3591+1_3591+7delinsTCTT

Gene: NPC1 (NPC intracellular cholesterol transporter 1; minus strand). Cytogenetic location: 18q11.2.
Variant type: Indel.
Coding change: c.3591+1_3591+7delinsTCTT on transcript NM_000271.5 (MANE Select); the canonical splice donor site of the intron after coding-DNA position 3591 through 7 bases into the intron after coding-DNA position 3591, GTGAGTA replaced by TCTT.
Molecular consequence: splice donor variant.
Genome position (GRCh38, 1-based): chr18:23,534,439-23,534,445, TACTCAC replaced by AAGA on the plus strand (GTGAGTA replaced by TCTT on the coding strand, the reverse complement: NPC1 is on the minus strand). VCF-style: chr18-23534439-TACTCAC-AAGA. GRCh37 (hg19) VCF-style: chr18-21114403-TACTCAC-AAGA.
Identifiers: ClinVar variation 3027381 (VCV003027381.22), dbSNP rs2511183145, ClinGen allele CA2740093976.
Genomic context (GRCh38, chr18:23,534,439, plus strand): 5'-TTCAGTCACTGAGGAGGATTACTTTGTGGTGCGACTCTGCCGGCGTGGCCCTGCTCAGGG[TACTCAC>AAGA]GGAGCTGCCCATGTGGGCAAGTGCCTCTTCCGCGCGCTCCACGCGGCTGCCTTTCATGCT-3'